The following is an entry in ClinVar:

NM_207361.6(FREM2):c.4430T>C (p.Val1477Ala)

Gene: FREM2 (FRAS1 related extracellular matrix 2; plus strand). Cytogenetic location: 13q13.3.
Variant type: single nucleotide variant.
Coding change: c.4430T>C on transcript NM_207361.6 (MANE Select); coding-DNA position 4430, T replaced by C.
Protein change: p.Val1477Ala; replaces valine 1477 with alanine.
Molecular consequence: missense variant.
Genome position (GRCh38, 1-based): chr13:38,691,774, T>C. VCF-style: chr13-38691774-T-C. GRCh37 (hg19) VCF-style: chr13-39265911-T-C.
Other names: short protein forms V1477A.
Identifiers: ClinVar variation 450478 (VCV000450478.2), dbSNP rs1319182599, ClinGen allele CA387893112.

ClinVar aggregate classification (germline): Uncertain significance (1 of 4 stars; one submission).

Allele frequency attached by ClinVar (database versions not stated): gnomAD exomes below 0.00001; TOPMed 0.00003.
gnomAD v4.1: 2 of 1,614,170 alleles (0.00012%); highest among the groups gnomAD compares: African/African-American, 0.0013%; no homozygotes.

Submission:

GeneDx
Classification: Uncertain significance. Last evaluated: 2017-07-20. Review status: criteria provided, single submitter. Criteria: GeneDx Variant Classification (06012015). Collection method: clinical testing. Allele origin: germline. Affected: yes.
Comment: The V1477A variant in the FREM2 gene has not been reported previously as a pathogenic variant, nor as a benign variant, to our knowledge. The V1477A variant is not observed in large population cohorts (Lek et al., 2016; 1000 Genomes Consortium et al., 2015; Exome Variant Server). The V1477A variant is a conservative amino acid substitution, which occurs at a position where amino acids with similar properties to Valine are tolerated across species. In silico analysis is inconsistent in its predictions as to whether or not the variant is damaging to the protein structure/function. We interpret V1477A as a variant of uncertain significance.